The following is an entry in ClinVar:

NM_000179.3(MSH6):c.1566G>A (p.Gln522=)

Gene: MSH6 (mutS homolog 6; plus strand). Cytogenetic location: 2p16.3.
Variant type: single nucleotide variant.
Coding change: c.1566G>A on transcript NM_000179.3 (MANE Select); coding-DNA position 1566, G replaced by A.
Protein change: p.Gln522=; no amino-acid change (glutamine 522 retained).
Molecular consequence: synonymous variant.
Genome position (GRCh38, 1-based): chr2:47,799,549, G>A. VCF-style: chr2-47799549-G-A. GRCh37 (hg19) VCF-style: chr2-48026688-G-A.
Other names: c.1176G>A, p.Gln392= (NM_001281492.2); c.660G>A, p.Gln220= (NM_001281493.2, NM_001281494.2).
Identifiers: ClinVar variation 757218 (VCV000757218.10), dbSNP rs776567082, ClinGen allele CA426121231.

ClinVar aggregate classification (germline): Benign/Likely benign. Review status: criteria provided, multiple submitters, no conflicts (2 of 4 stars). 3 submissions from 3 submitters: Benign (1); Likely benign (2). Last evaluated 2026-02-08.

Conditions:
Hereditary cancer-predisposing syndrome. Also called: Tumor predisposition; Neoplastic Syndromes, Hereditary; Hereditary Cancer Syndrome; Hereditary neoplastic syndrome. Identifiers: Orphanet 140162, MedGen C0027672, MeSH D009386, MONDO:0015356.
Lynch syndrome 5 (LYNCH5). Also called: Colorectal cancer, hereditary nonpolyposis, type 5; Hereditary non-polyposis colorectal cancer, type 5. Identifiers: Orphanet 144, MedGen C1833477, MONDO:0013710, OMIM 614350. Disease mechanism: loss of function.
Hereditary nonpolyposis colorectal neoplasms. Identifiers: MedGen C0009405, MeSH D003123.

Submissions (3):

Ambry Genetics
Classification: Likely benign for Hereditary cancer-predisposing syndrome. Last evaluated: 2026-02-08. Review status: criteria provided, single submitter. Criteria: Ambry Variant Classification Scheme 2023. Collection method: clinical testing. Allele origin: germline.

Myriad Genetics, Inc.
Classification: Benign for Lynch syndrome 5. Last evaluated: 2024-12-27. Review status: criteria provided, single submitter. Criteria: Myriad Autosomal Dominant, Autosomal Recessive and X-Linked Classification Criteria (2023). Collection method: clinical testing. Allele origin: unknown.
Comment: This variant is considered benign. This variant is a silent/synonymous amino acid change and it is not expected to impact splicing.

Labcorp Genetics (formerly Invitae), Labcorp
Classification: Likely benign for Hereditary nonpolyposis colorectal neoplasms. Last evaluated: 2023-09-05. Review status: criteria provided, single submitter. Criteria: Invitae Variant Classification Sherloc (09022015). Collection method: clinical testing. Allele origin: germline.